The following is an entry in ClinVar:

ClinVar aggregate classification (germline): Uncertain significance. Review status: criteria provided, single submitter (1 of 4 stars). 2 submissions from 2 submitters: Uncertain significance (1). 1 of the submissions does not count toward it. Last evaluated 2026-04-28.

Conditions:
SON-related disorder. Also called: SON-related condition.

Submissions (2):

Women's Health and Genetics/Laboratory Corporation of America, LabCorp
Classification: Uncertain significance. Last evaluated: 2026-04-28. Review status: criteria provided, single submitter. Criteria: LabCorp Variant Classification Summary - May 2015. Collection method: clinical testing. Allele origin: germline.
Comment: Variant summary: SON c.2893A>T (p.Met965Leu) results in a conservative amino acid change in the encoded protein sequence. Algorithms developed to predict the effect of missense changes on protein structure and function all suggest that this variant is likely to be tolerated. The variant was absent in 251400 control chromosomes. The available data on variant occurrences in the general population are insufficient to allow any conclusion about variant significance. To our knowledge, no occurrence of c.2893A>T in individuals affected with SON-related conditions and no experimental evidence demonstrating its impact on protein function have been reported. ClinVar contains an entry for this variant (Variation ID: 2631306). Based on the evidence outlined above, the variant was classified as uncertain significance.

PreventionGenetics, part of Exact Sciences
Classification: Uncertain significance for SON-related condition. Last evaluated: 2024-08-13. Review status: no assertion criteria provided. Collection method: clinical testing. Allele origin: germline. Not counted in ClinVar's aggregate classification.
Comment: The SON c.2893A>T variant is predicted to result in the amino acid substitution p.Met965Leu. To our knowledge, this variant has not been reported in the literature or in the gnomAD database, indicating this variant is rare. At this time, the clinical significance of this variant is uncertain due to the absence of conclusive functional and genetic evidence.

NM_138927.4(SON):c.2893A>T (p.Met965Leu)

Gene: SON (SON DNA and RNA binding protein; plus strand). Cytogenetic location: 21q22.11.
Variant type: single nucleotide variant.
Coding change: c.2893A>T on transcript NM_138927.4 (MANE Select); coding-DNA position 2893, A replaced by T.
Protein change: p.Met965Leu; replaces methionine 965 with leucine.
Molecular consequence: missense variant. On other transcripts: non-coding transcript variant (1), intron variant (1).
Genome position (GRCh38, 1-based): chr21:33,552,124, A>T. VCF-style: chr21-33552124-A-T. GRCh37 (hg19) VCF-style: chr21-34924430-A-T.
Other names: c.2893A>T, p.Met965Leu (NM_001291411.2, NM_001412133.1, NM_032195.3 and 2 more transcripts); c.245-5032A>T (NM_001291412.3); short protein forms M965L.
Identifiers: ClinVar variation 2631306 (VCV002631306.5), dbSNP rs892560375, ClinGen allele CA410158994.